The following is an entry in ClinVar:

NM_000492.4(CFTR):c.3469-2A>C

Genes: CFTR (CF transmembrane conductance regulator; plus strand), CFTR-AS2 (CFTR antisense RNA 2; minus strand). Cytogenetic location: 7q31.2.
Variant type: single nucleotide variant.
Coding change: c.3469-2A>C on transcript NM_000492.4 (MANE Select); the canonical splice acceptor site of the intron before coding-DNA position 3469, A replaced by C.
Molecular consequence: splice acceptor variant.
Genome position (GRCh38, 1-based): chr7:117,627,520, A>C. VCF-style: chr7-117627520-A-C. GRCh37 (hg19) VCF-style: chr7-117267574-A-C.
Other names: c.3469-2A>C (NM_000492.3).
Identifiers: ClinVar variation 1706017 (VCV001706017.2), dbSNP rs397508570, ClinGen allele CA368995878.

ClinVar aggregate classification (germline): Pathogenic/Likely pathogenic. Review status: criteria provided, multiple submitters, no conflicts (2 of 4 stars). 2 submissions from 2 submitters: Pathogenic (1); Likely pathogenic (1). Last evaluated 2025-08-05.

Conditions:
CFTR-related disorder (CFTR-RD). Also called: CFTR-related condition; CFTR-related disorders. Identifiers: MedGen C5924204, MONDO:7770004.
Cystic fibrosis (CF). Also called: MUCOVISCIDOSIS. Identifiers: Orphanet 586, MedGen C0010674, MONDO:0009061, OMIM 219700. Disease mechanism: loss of function.

Submissions (2):

Natera, Inc.
Classification: Pathogenic for CFTR-related disorders. Last evaluated: 2025-08-05. Review status: criteria provided, single submitter. Criteria: Natera Variant Classification Schema (03/2026). Collection method: clinical testing. Allele origin: germline.
Comment: The c.3469-2A>C variant in CFTR is a canonical splice acceptor site variant predicted to affect pre-mRNA splicing, which may result in an abnormal transcript and altered protein product. This variant is expected to result in nonsense mediated decay, truncation, or a dysfunctional protein product. This variant is rare in the general population with a frequency below the threshold expected for the associated phenotype(s). This variant has been observed in one or more individuals affected with the associated recessive disease, as either homozygous or compound heterozygous with a second variant (PMID: 37867076). Another variant at this same site results in an alteration predicted to cause a similar molecular effect has been observed in individual(s) with the associated phenotype. Given the available evidence, this variant is classified as Pathogenic.

Institute of Human Genetics, University of Leipzig Medical Center
Classification: Likely pathogenic for Cystic fibrosis. Last evaluated: 2022-09-05. Review status: criteria provided, single submitter. Criteria: ACMG Guidelines, 2015. Collection method: curation. Allele origin: unknown. Affected: yes. Observed: 1 variant allele.
Comment: The variant was classified in the context of a project re-classifying variants in the German Cystic Fibrosis Registry (Muko.e.V.). Criteria applied: PVS1_STR, PS1_SUP, PM2_SUP, PP4

Literature cited by the submitters: PubMed 37867076 (cited by Natera, Inc.).